The following is an entry in ClinVar:

ClinVar aggregate classification (germline): Uncertain significance (1 of 4 stars; one submission).

Conditions:
Hereditary cancer-predisposing syndrome. Also called: Neoplastic Syndromes, Hereditary; Tumor predisposition; Hereditary Cancer Syndrome; Hereditary neoplastic syndrome. Identifiers: Orphanet 140162, MedGen C0027672, MeSH D009386, MONDO:0015356.

Allele frequency attached by ClinVar (database versions not stated): gnomAD exomes below 0.00001.
gnomAD v4.1: 1 of 1,613,240 alleles (0.000062%); highest among the groups gnomAD compares: Non-Finnish European, 0.000085%; no homozygotes.

Submission:

Ambry Genetics
Classification: Uncertain significance for Hereditary cancer-predisposing syndrome. Last evaluated: 2022-06-21. Review status: criteria provided, single submitter. Criteria: Ambry Variant Classification Scheme 2023. Collection method: clinical testing. Allele origin: germline.
Comment: The p.E130K variant (also known as c.388G>A), located in coding exon 4 of the FANCC gene, results from a G to A substitution at nucleotide position 388. The glutamic acid at codon 130 is replaced by lysine, an amino acid with similar properties. This amino acid position is highly conserved in available vertebrate species. In addition, this alteration is predicted to be deleterious by in silico analysis. Since supporting evidence is limited at this time, the clinical significance of this alteration remains unclear.

NM_000136.3(FANCC):c.388G>A (p.Glu130Lys)

Gene: FANCC (FA complementation group C; minus strand). Cytogenetic location: 9q22.32.
Variant type: single nucleotide variant.
Coding change: c.388G>A on transcript NM_000136.3 (MANE Select); coding-DNA position 388, G replaced by A.
Protein change: p.Glu130Lys; replaces glutamic acid 130 with lysine.
Molecular consequence: missense variant.
Genome position (GRCh38, 1-based): chr9:95,172,105, C>T on the plus strand (G>A on the coding strand, the complement: FANCC is on the minus strand). VCF-style: chr9-95172105-C-T. GRCh37 (hg19) VCF-style: chr9-97934387-C-T.
Other names: c.388G>A, p.Glu130Lys (NM_001243743.2, NM_001243744.2); short protein forms E130K.
Identifiers: ClinVar variation 1735885 (VCV001735885.2), dbSNP rs876661231, ClinGen allele CA374338833.